The following is an entry in ClinVar:

NM_000310.4(PPT1):c.*3C>A

Gene: PPT1 (palmitoyl-protein thioesterase 1; minus strand). Cytogenetic location: 1p34.2.
Variant type: single nucleotide variant.
Coding change: c.*3C>A on transcript NM_000310.4 (MANE Select); 3 bases downstream of the stop codon, C replaced by A.
Molecular consequence: 3 prime UTR variant.
Genome position (GRCh38, 1-based): chr1:40,074,058, G>T on the plus strand (C>A on the coding strand, the complement: PPT1 is on the minus strand). VCF-style: chr1-40074058-G-T. GRCh37 (hg19) VCF-style: chr1-40539730-G-T.
Other names: c.*3C>A (NM_001142604.2, NM_001363695.2).
Identifiers: ClinVar variation 138793 (VCV000138793.17), dbSNP rs150454815, ClinGen allele CA292902.

ClinVar aggregate classification (germline): Conflicting classifications of pathogenicity. Review status: criteria provided, conflicting classifications (1 of 4 stars). 8 submissions from 8 submitters: Uncertain significance (1); Benign (5). 2 of the submissions do not count toward it. Last evaluated 2021-05-18.

Conditions:
Inborn genetic diseases. Identifiers: MedGen C0950123, MeSH D030342.
Neuronal ceroid lipofuscinosis. Also called: Neuronal Ceroid Lipofuscinoses. Identifiers: Orphanet 216, Orphanet 79263, MedGen C0027877, MONDO:0016295. Disease mechanism: loss of function.
Neuronal ceroid lipofuscinosis 1 (CLN1). Also called: CEROID LIPOFUSCINOSIS, NEURONAL, 1, VARIABLE AGE AT ONSET; PPT1-Related Neuronal Ceroid-Lipofuscinosis. Identifiers: Orphanet 228329, MedGen C1850451, MONDO:0009744, OMIM 256730.

Allele frequency attached by ClinVar (database versions not stated): gnomAD exomes 0.00311 and 0.00428; ExAC 0.00468; gnomAD 0.00852 and 0.00889; TOPMed 0.00911; ESP Exome Variant Server 0.00930; 1000 Genomes Project 0.00938; 1000 Genomes Project 30x 0.00968.
gnomAD v4.1: 5,891 of 1,614,062 alleles (0.36%); highest among the groups gnomAD compares: African/African-American, 2.6%; 38 homozygotes.

Submissions (8):

Genome-Nilou Lab
Classification: Uncertain significance for Neuronal ceroid lipofuscinosis 1. Last evaluated: 2021-05-18. Review status: criteria provided, single submitter. Criteria: ACMG Guidelines, 2015. Collection method: clinical testing. Allele origin: germline. Affected: no.

Athena Diagnostics
Classification: Benign. Last evaluated: 2019-10-02. Review status: criteria provided, single submitter. Criteria: Athena Diagnostics Criteria. Collection method: clinical testing. Allele origin: unknown.

Mayo Clinic Laboratories, Mayo Clinic
Classification: Benign. Last evaluated: 2018-09-07. Review status: criteria provided, single submitter. Criteria: ACMG Guidelines, 2015. Collection method: clinical testing. Allele origin: germline. Observed: 10 variant alleles.

Illumina Laboratory Services, Illumina
Classification: Benign for Neuronal ceroid lipofuscinosis 1. Last evaluated: 2018-01-12. Review status: criteria provided, single submitter. Criteria: ICSL Variant Classification Criteria 13 December 2019. Collection method: clinical testing. Allele origin: germline.
Comment: This variant was observed in the ICSL laboratory as part of a predisposition screen in an ostensibly healthy population. It had not been previously curated by ICSL or reported in the Human Gene Mutation Database (HGMD: prior to June 1st, 2018), and was therefore a candidate for classification through an automated scoring system. Utilizing variant allele frequency, disease prevalence and penetrance estimates, and inheritance mode, an automated score was calculated to assess if this variant is too frequent to cause the disease. Based on the score and internal cut-off values, a variant classified as benign is not then subjected to further curation. The score for this variant resulted in a classification of benign for this disease.

Ambry Genetics
Classification: Benign for Inborn genetic diseases. Last evaluated: 2016-08-04. Review status: criteria provided, single submitter. Criteria: Ambry Variant Classification Scheme 2023. Collection method: clinical testing. Allele origin: germline.

GeneDx
Classification: Benign. Last evaluated: 2012-05-30. Review status: criteria provided, single submitter. Criteria: GeneDx Variant Classification (06012015). Collection method: clinical testing. Allele origin: germline. Affected: yes.
Comment: This variant is considered likely benign or benign based on one or more of the following criteria: it is a conservative change, it occurs at a poorly conserved position in the protein, it is predicted to be benign by multiple in silico algorithms, and/or has population frequency not consistent with disease.

Natera, Inc.
Classification: Benign for Neuronal ceroid lipofuscinosis 1. Last evaluated: 2020-09-16. Review status: no assertion criteria provided. Collection method: clinical testing. Allele origin: germline. Not counted in ClinVar's aggregate classification.

Clinical Molecular Genetics Laboratory, Johns Hopkins All Children's Hospital
Classification: Uncertain significance for Neuronal ceroid lipofuscinosis. Last evaluated: 2009-06-30. Review status: no assertion criteria provided. Collection method: clinical testing. Allele origin: germline. Affected: yes. Not counted in ClinVar's aggregate classification.